The following is an entry in ClinVar:

NM_000051.4(ATM):c.3301A>G (p.Lys1101Glu)

Gene: ATM (ATM serine/threonine kinase; plus strand). Cytogenetic location: 11q22.3.
Variant type: single nucleotide variant.
Coding change: c.3301A>G on transcript NM_000051.4 (MANE Select); coding-DNA position 3301, A replaced by G.
Protein change: p.Lys1101Glu; replaces lysine 1101 with glutamic acid.
Molecular consequence: missense variant.
Genome position (GRCh38, 1-based): chr11:108,279,507, A>G. VCF-style: chr11-108279507-A-G. GRCh37 (hg19) VCF-style: chr11-108150234-A-G.
Other names: c.3301A>G, p.Lys1101Glu (NM_001351834.2); short protein forms K1101E.
Identifiers: ClinVar variation 1729985 (VCV001729985.4), dbSNP rs2135642737, ClinGen allele CA382517336.

ClinVar aggregate classification (germline): Uncertain significance. Review status: criteria provided, multiple submitters, no conflicts (2 of 4 stars). 2 submissions from 2 submitters: Uncertain significance (2). Last evaluated 2025-06-09.

Conditions:
Hereditary cancer-predisposing syndrome. Also called: Neoplastic Syndromes, Hereditary; Tumor predisposition; Hereditary Cancer Syndrome; Hereditary neoplastic syndrome. Identifiers: Orphanet 140162, MedGen C0027672, MeSH D009386, MONDO:0015356.
Ataxia-telangiectasia syndrome (AT). Also called: LOUIS-BAR SYNDROME; Cerebello-oculocutaneous telangiectasia; Immunodeficiency with ataxia telangiectasia; Ataxia-telangiectasia, complementation group D; AT, COMPLEMENTATION GROUP C; ATAXIA-TELANGIECTASIA, COMPLEMENTATION GROUP A. Identifiers: Orphanet 100, MedGen C0004135, MONDO:0008840, OMIM 208900.

Submissions (2):

Labcorp Genetics (formerly Invitae), Labcorp
Classification: Uncertain significance for Ataxia-telangiectasia syndrome. Last evaluated: 2025-06-09. Review status: criteria provided, single submitter. Criteria: Invitae Variant Classification Sherloc (09022015). Collection method: clinical testing. Allele origin: germline.
Comment: This sequence change replaces lysine, which is basic and polar, with glutamic acid, which is acidic and polar, at codon 1101 of the ATM protein (p.Lys1101Glu). This variant is not present in population databases (gnomAD no frequency). This variant has not been reported in the literature in individuals affected with ATM-related conditions. ClinVar contains an entry for this variant (Variation ID: 1729985). Invitae Evidence Modeling of protein sequence and biophysical properties (such as structural, functional, and spatial information, amino acid conservation, physicochemical variation, residue mobility, and thermodynamic stability) indicates that this missense variant is not expected to disrupt ATM protein function with a negative predictive value of 95%. In summary, the available evidence is currently insufficient to determine the role of this variant in disease. Therefore, it has been classified as a Variant of Uncertain Significance.

Ambry Genetics
Classification: Uncertain significance for Hereditary cancer-predisposing syndrome. Last evaluated: 2025-02-25. Review status: criteria provided, single submitter. Criteria: Ambry Variant Classification Scheme 2023. Collection method: clinical testing. Allele origin: germline.
Comment: The p.K1101E variant (also known as c.3301A>G), located in coding exon 22 of the ATM gene, results from an A to G substitution at nucleotide position 3301. The lysine at codon 1101 is replaced by glutamic acid, an amino acid with similar properties. This amino acid position is not well conserved in available vertebrate species. In addition, this alteration is predicted to be tolerated by in silico analysis. Since supporting evidence is limited at this time, the clinical significance of this alteration remains unclear.